The following is an entry in ClinVar:

NM_006279.5(ST3GAL3):c.538G>A (p.Asp180Asn)

Gene: ST3GAL3 (ST3 beta-galactoside alpha-2,3-sialyltransferase 3; plus strand). Cytogenetic location: 1p34.1.
Variant type: single nucleotide variant.
Coding change: c.538G>A on transcript NM_006279.5 (MANE Select); coding-DNA position 538, G replaced by A.
Protein change: p.Asp180Asn; replaces aspartic acid 180 with asparagine.
Molecular consequence: missense variant. On other transcripts: non-coding transcript variant (7), intron variant (4).
Genome position (GRCh38, 1-based): chr1:43,899,244, G>A. VCF-style: chr1-43899244-G-A. GRCh37 (hg19) VCF-style: chr1-44364916-G-A.
Other names: c.538G>A, p.Asp180Asn (NM_001270459.2, NM_001350620.2, NM_174966.4); c.445G>A, p.Asp149Asn (NM_001270460.2); c.490G>A, p.Asp164Asn (NM_001270461.3, NM_001270464.3, NM_174969.4); c.397G>A, p.Asp133Asn (NM_001270462.3); c.535G>A, p.Asp179Asn (NM_001270463.3, NM_001270465.3); c.583G>A, p.Asp195Asn (NM_001350619.2, NM_174964.4); c.259G>A, p.Asp87Asn (NM_001350621.2); c.700G>A, p.Asp234Asn (NM_001363573.2, NM_174968.5); and 7 more; short protein forms D149N, D180N, D195N, D218N, D234N, D87N, D249N, D133N.
Identifiers: ClinVar variation 1494661 (VCV001494661.8), dbSNP rs769217303, ClinGen allele CA814731.

ClinVar aggregate classification (germline): Uncertain significance. Review status: criteria provided, multiple submitters, no conflicts (2 of 4 stars). 2 submissions from 2 submitters: Uncertain significance (2). Last evaluated 2024-07-05.

Conditions:
Developmental and epileptic encephalopathy. Identifiers: MedGen C5779964, MONDO:0100620.
Inborn genetic diseases. Identifiers: MedGen C0950123, MeSH D030342.

Allele frequency attached by ClinVar (database versions not stated): ExAC 0.00001; gnomAD exomes 0.00001; TOPMed 0.00001; gnomAD 0.00002.
gnomAD v4.1: 13 of 1,614,082 alleles (0.00081%); highest among the groups gnomAD compares: South Asian, 0.0033%; no homozygotes.

Submissions (2):

Ambry Genetics
Classification: Uncertain significance for Inborn genetic diseases. Last evaluated: 2024-07-05. Review status: criteria provided, single submitter. Criteria: Ambry Variant Classification Scheme 2023. Collection method: clinical testing. Allele origin: germline.

Labcorp Genetics (formerly Invitae), Labcorp
Classification: Uncertain significance for Early-infantile DEE. Last evaluated: 2022-08-07. Review status: criteria provided, single submitter. Criteria: Invitae Variant Classification Sherloc (09022015). Collection method: clinical testing. Allele origin: germline.
Comment: In summary, the available evidence is currently insufficient to determine the role of this variant in disease. Therefore, it has been classified as a Variant of Uncertain Significance. Algorithms developed to predict the effect of missense changes on protein structure and function output the following: SIFT: "Deleterious"; PolyPhen-2: "Benign"; Align-GVGD: "Class C0". The asparagine amino acid residue is found in multiple mammalian species, which suggests that this missense change does not adversely affect protein function. ClinVar contains an entry for this variant (Variation ID: 1494661). This variant has not been reported in the literature in individuals affected with ST3GAL3-related conditions. This variant is present in population databases (rs769217303, gnomAD 0.006%). This sequence change replaces aspartic acid, which is acidic and polar, with asparagine, which is neutral and polar, at codon 180 of the ST3GAL3 protein (p.Asp180Asn).